The following is an entry in ClinVar:

NM_001987.5(ETV6):c.533T>C (p.Leu178Pro)

Gene: ETV6 (ETS variant transcription factor 6; plus strand). Cytogenetic location: 12p13.2.
Variant type: single nucleotide variant.
Coding change: c.533T>C on transcript NM_001987.5 (MANE Select); coding-DNA position 533, T replaced by C.
Protein change: p.Leu178Pro; replaces leucine 178 with proline.
Molecular consequence: missense variant.
Genome position (GRCh38, 1-based): chr12:11,869,493, T>C. VCF-style: chr12-11869493-T-C. GRCh37 (hg19) VCF-style: chr12-12022427-T-C.
Other names: c.530T>C, p.Leu177Pro (NM_001413913.1); c.506T>C, p.Leu169Pro (NM_001413914.1); c.269T>C, p.Leu90Pro (NM_001413915.1); c.533T>C, p.Leu178Pro (NM_001413916.1, NM_001413917.1); short protein forms L178P, L90P, L177P, L169P.
Identifiers: ClinVar variation 4618887 (VCV004618887.1).

ClinVar aggregate classification (germline): Uncertain significance (1 of 4 stars; one submission).

Conditions:
Inborn genetic diseases. Identifiers: MedGen C0950123, MeSH D030342.

Submission:

Ambry Genetics
Classification: Uncertain significance for Inborn genetic diseases. Last evaluated: 2025-12-09. Review status: criteria provided, single submitter. Criteria: Ambry Variant Classification Scheme 2023. Collection method: clinical testing. Allele origin: germline.
Comment: The p.L178P variant (also known as c.533T>C), located in coding exon 5 of the ETV6 gene, results from a T to C substitution at nucleotide position 533. The leucine at codon 178 is replaced by proline, an amino acid with similar properties. This amino acid position is conserved. In addition, the in silico prediction for this alteration is inconclusive. Based on the available evidence, the clinical significance of this variant remains unclear.